The following is an entry in ClinVar:

ClinVar aggregate classification (germline): Uncertain significance. Review status: criteria provided, multiple submitters, no conflicts (2 of 4 stars). 2 submissions from 2 submitters: Uncertain significance (2). Last evaluated 2025-09-26.

Conditions:
Charcot-Marie-Tooth disease recessive intermediate C. Also called: CHARCOT-MARIE-TOOTH NEUROPATHY, RECESSIVE INTERMEDIATE C. Identifiers: Orphanet 369867, MedGen C3809309, MONDO:0014154, OMIM 615376.
Neuronopathy, distal hereditary motor, autosomal recessive 4. Also called: Autosomal recessive lower motor neuron disease with childhood onset; NEUROPATHY, DISTAL HEREDITARY MOTOR, AUTOSOMAL RECESSIVE 4. Identifiers: Orphanet 206580, MedGen C1970211, MONDO:0012608, OMIM 611067.
Inborn genetic diseases. Identifiers: MedGen C0950123, MeSH D030342.

Allele frequency attached by ClinVar (database versions not stated): gnomAD exomes below 0.00001 and 0.00001; gnomAD 0.00001; TOPMed 0.00001; ExAC 0.00004.
gnomAD v4.1: 6 of 1,586,976 alleles (0.00038%); highest among the groups gnomAD compares: Admixed American, 0.0086%; no homozygotes.

Submissions (2):

Ambry Genetics
Classification: Uncertain significance for Inborn genetic diseases. Last evaluated: 2025-09-26. Review status: criteria provided, single submitter. Criteria: Ambry Variant Classification Scheme 2023. Collection method: clinical testing. Allele origin: germline.

Labcorp Genetics (formerly Invitae), Labcorp
Classification: Uncertain significance for Neuronopathy, distal hereditary motor, autosomal recessive 4; Charcot-Marie-Tooth disease recessive intermediate C. Last evaluated: 2020-12-25. Review status: criteria provided, single submitter. Criteria: Invitae Variant Classification Sherloc (09022015). Collection method: clinical testing. Allele origin: germline.
Comment: In summary, the available evidence is currently insufficient to determine the role of this variant in disease. Therefore, it has been classified as a Variant of Uncertain Significance. Algorithms developed to predict the effect of sequence changes on RNA splicing suggest that this variant may disrupt the consensus splice site, but this prediction has not been confirmed by published transcriptional studies. Algorithms developed to predict the effect of missense changes on protein structure and function are either unavailable or do not agree on the potential impact of this missense change (SIFT: "Deleterious"; PolyPhen-2: "Benign"; Align-GVGD: "Class C0"). This variant has not been reported in the literature in individuals with PLEKHG5-related conditions. This variant is present in population databases (rs777612808, ExAC 0.05%). This sequence change replaces threonine with methionine at codon 464 of the PLEKHG5 protein (p.Thr464Met). The threonine residue is highly conserved and there is a moderate physicochemical difference between threonine and methionine.

NM_020631.6(PLEKHG5):c.1391C>T (p.Thr464Met)

Gene: PLEKHG5 (pleckstrin homology and RhoGEF domain containing G5; minus strand). Cytogenetic location: 1p36.31.
Variant type: single nucleotide variant.
Coding change: c.1391C>T on transcript NM_020631.6 (MANE Select); coding-DNA position 1391, C replaced by T.
Protein change: p.Thr464Met; replaces threonine 464 with methionine.
Molecular consequence: missense variant.
Genome position (GRCh38, 1-based): chr1:6,470,991, G>A on the plus strand (C>T on the coding strand, the complement: PLEKHG5 is on the minus strand). VCF-style: chr1-6470991-G-A. GRCh37 (hg19) VCF-style: chr1-6531051-G-A.
Other names: c.1502C>T, p.Thr501Met (NM_001042663.3, NM_001265592.2); c.1391C>T, p.Thr464Met (NM_001042664.2, NM_001042665.2, NM_001265594.3 and 1 more transcripts); c.1598C>T, p.Thr533Met (NM_001265593.2); short protein forms T533M, T464M, T501M.
Identifiers: ClinVar variation 1511789 (VCV001511789.7), dbSNP rs777612808, ClinGen allele CA561546.